The following is an entry in ClinVar:

NM_020778.5(ALPK3):c.136G>A (p.Glu46Lys)

Gene: ALPK3 (alpha kinase 3; plus strand). Cytogenetic location: 15q25.3.
Variant type: single nucleotide variant.
Coding change: c.136G>A on transcript NM_020778.5 (MANE Select); coding-DNA position 136, G replaced by A.
Protein change: p.Glu46Lys; replaces glutamic acid 46 with lysine.
Molecular consequence: missense variant.
Genome position (GRCh38, 1-based): chr15:84,817,588, G>A. VCF-style: chr15-84817588-G-A. GRCh37 (hg19) VCF-style: chr15-85360819-G-A.
Other names: short protein forms E46K.
Identifiers: ClinVar variation 1491219 (VCV001491219.8), dbSNP rs2141542332, ClinGen allele CA393369608.

ClinVar aggregate classification (germline): Uncertain significance (1 of 4 stars; one submission).

Submission:

Labcorp Genetics (formerly Invitae), Labcorp
Classification: Uncertain significance. Last evaluated: 2024-08-28. Review status: criteria provided, single submitter. Criteria: Invitae Variant Classification Sherloc (09022015). Collection method: clinical testing. Allele origin: germline.
Comment: This sequence change replaces glutamic acid, which is acidic and polar, with lysine, which is basic and polar, at codon 248 of the ALPK3 protein (p.Glu248Lys). This variant is not present in population databases (gnomAD no frequency). This variant has not been reported in the literature in individuals affected with ALPK3-related conditions. ClinVar contains an entry for this variant (Variation ID: 1491219). An algorithm developed to predict the effect of missense changes on protein structure and function (PolyPhen-2) suggests that this variant is likely to be disruptive. In summary, the available evidence is currently insufficient to determine the role of this variant in disease. Therefore, it has been classified as a Variant of Uncertain Significance.